The following is an entry in ClinVar:

ClinVar aggregate classification (germline): Pathogenic (1 of 4 stars; one submission).

Allele frequency attached by ClinVar (database versions not stated): gnomAD exomes below 0.00001; TOPMed 0.00001.

Submission:

Labcorp Genetics (formerly Invitae), Labcorp
Classification: Pathogenic. Last evaluated: 2023-10-14. Review status: criteria provided, single submitter. Criteria: Invitae Variant Classification Sherloc (09022015). Collection method: clinical testing. Allele origin: germline.
Comment: This sequence change creates a premature translational stop signal (p.His862Argfs*5) in the ABCC8 gene. It is expected to result in an absent or disrupted protein product. Loss-of-function variants in ABCC8 are known to be pathogenic (PMID: 20685672, 23345197). This variant is not present in population databases (gnomAD no frequency). This premature translational stop signal has been observed in individual(s) with autosomal recessive diffuse or focal hyperinsulinism (PMID: 21968111). This variant is also known as c.2588_2591delATCT (p.His863fs). For these reasons, this variant has been classified as Pathogenic.

Literature cited by the submitters: PubMed 20685672; PubMed 23345197; PubMed 21968111.

NM_000352.6(ABCC8):c.2585_2588del (p.His862fs)

Gene: ABCC8 (ATP binding cassette subfamily C member 8; minus strand). Cytogenetic location: 11p15.1.
Variant type: Deletion.
Coding change: c.2585_2588del on transcript NM_000352.6 (MANE Select); coding-DNA positions 2585 to 2588, 4 bases deleted (ATCT; older notation c.2585_2588delATCT).
Protein change: p.His862fs; shifts the reading frame from histidine 862.
Molecular consequence: frameshift variant. On other transcripts: non-coding transcript variant (1).
Genome position (GRCh38, 1-based): chr11:17,410,622-17,410,625, AGAT deleted on the plus strand (ATCT on the coding strand, the reverse complement: ABCC8 is on the minus strand). VCF-style (leftmost placement, unchanged base first): chr11-17410621-CAGAT-C. GRCh37 (hg19) VCF-style: chr11-17432168-CAGAT-C.
Other names: c.2588_2591del, p.His863fs (NM_001287174.3); c.2651_2654del, p.His884fs (NM_001351295.2); c.2585_2588del, p.His862fs (NM_001351296.2); c.2582_2585del, p.His861fs (NM_001351297.2); short protein forms H861fs, H884fs, H863fs, H862fs.
Identifiers: ClinVar variation 2735547 (VCV002735547.3), dbSNP rs1381068943, ClinGen allele CA674211846.
Genomic context (GRCh38, chr11:17,410,621, plus strand): 5'-CACTGTCCTCTTGTCGTCCCGGAGCAGCTCAAGGATGCCGGCCTGCATTAAGTGGTCACT[CAGAT>C]GGATATCCAGAGCTGAGAAGGGGTCATCCTGGGCAGAAGGGAGAGGAAGAGAGTAGAGGG-3'